The following is an entry in ClinVar:

ClinVar aggregate classification (germline): Benign/Likely benign. Review status: criteria provided, multiple submitters, no conflicts (2 of 4 stars). 5 submissions from 5 submitters: Benign (1); Likely benign (4). Last evaluated 2025-12-01.

Conditions:
Maturity-onset diabetes of the young (MODY). Also called: Maturity onset diabetes mellitus in young. Identifiers: Orphanet 552, MedGen C0342276, MONDO:0018911, HP:0004904.

Allele frequency attached by ClinVar (database versions not stated): gnomAD exomes below 0.00001 and 0.00001; gnomAD 0.00001.
gnomAD v4.1: 18 of 1,614,094 alleles (0.0011%); highest among the groups gnomAD compares: African/African-American, 0.019%; no homozygotes.

Submissions (5):

CeGaT Center for Human Genetics Tuebingen
Classification: Likely benign. Last evaluated: 2025-12-01. Review status: criteria provided, single submitter. Criteria: CeGaT Center For Human Genetics Tuebingen Variant Classification Criteria Version 2. Collection method: clinical testing. Allele origin: germline. Affected: yes. Observed: 1 variant allele.
Comment: HNF4A: BP4, BP7

Blueprint Genetics
Classification: Likely benign. Last evaluated: 2024-07-23. Review status: criteria provided, single submitter. Criteria: ACMG Guidelines, 2015. Collection method: clinical testing. Allele origin: germline.

Labcorp Genetics (formerly Invitae), Labcorp
Classification: Likely benign. Last evaluated: 2018-06-13. Review status: criteria provided, single submitter. Criteria: Invitae Variant Classification Sherloc (09022015). Collection method: clinical testing. Allele origin: germline.

Ambry Genetics
Classification: Likely benign for Maturity-onset diabetes of the young. Last evaluated: 2017-03-14. Review status: criteria provided, single submitter. Criteria: Ambry Variant Classification Scheme 2023. Collection method: clinical testing. Allele origin: germline.

Clinical Genomics, Uppaluri K&H Personalized Medicine Clinic
Classification: Benign for Maturity-onset diabetes of the young. Review status: criteria provided, single submitter. Criteria: K & H Uppaluri Personalized Medicine Clinic Variant Classification & Assertion Criteria_Updated V.1. Collection method: research. Allele origin: unknown. Inheritance: Autosomal dominant inheritance.
Comment: Potent mutations in HNF4A are associated with poor insulin secretion in response to hyperglycemia. Associated with MODY1. Patients initially respond well to sulfonylureas but eventually become insulin dependent. However, more evidence is required to ascertain the role of this particular variant rs1568731613 in MODY, yet.

Literature cited by the submitters: PubMed 18268044 (cited by Clinical Genomics, Uppaluri K&H Personalized Medicine Clinic); PubMed 17563455 (cited by Clinical Genomics, Uppaluri K&H Personalized Medicine Clinic); PubMed 32583173 (cited by Clinical Genomics, Uppaluri K&H Personalized Medicine Clinic); PubMed 35052457 (cited by Clinical Genomics, Uppaluri K&H Personalized Medicine Clinic); PubMed 35118593 (cited by Clinical Genomics, Uppaluri K&H Personalized Medicine Clinic); DOI 10.1159/000334532 (cited by Clinical Genomics, Uppaluri K&H Personalized Medicine Clinic).

NM_175914.5(HNF4A):c.489A>G (p.Ala163=)

Gene: HNF4A (hepatocyte nuclear factor 4 alpha; plus strand). Cytogenetic location: 20q13.12.
Variant type: single nucleotide variant.
Coding change: c.489A>G on transcript NM_175914.5 (MANE Select); coding-DNA position 489, A replaced by G.
Protein change: p.Ala163=; no amino-acid change (alanine 163 retained).
Molecular consequence: synonymous variant.
Genome position (GRCh38, 1-based): chr20:44,414,569, A>G. VCF-style: chr20-44414569-A-G. GRCh37 (hg19) VCF-style: chr20-43043209-A-G.
Other names: c.555A>G, p.Ala185= (NM_000457.6, NM_178849.3, NM_178850.3); c.489A>G, p.Ala163= (NM_001030003.3, NM_001030004.3); c.534A>G, p.Ala178= (NM_001258355.2); c.480A>G, p.Ala160= (NM_001287182.2, NM_001287183.2, NM_001287184.2).
Identifiers: ClinVar variation 747947 (VCV000747947.12), dbSNP rs1568731613, ClinGen allele CA510582688.